The following is an entry in ClinVar:

ClinVar aggregate classification (germline): Pathogenic/Likely pathogenic. Review status: criteria provided, multiple submitters, no conflicts (2 of 4 stars). 3 submissions from 3 submitters: Pathogenic (1); Likely pathogenic (2). Last evaluated 2025-06-06.

Conditions:
Juvenile myelomonocytic leukemia (JMML). Also called: LEUKEMIA, JUVENILE MYELOMONOCYTIC, SOMATIC. Identifiers: Orphanet 86834, MedGen C0349639, MONDO:0011908, OMIM 607785, HP:0012209.
Neurofibromatosis, type 1 (NF1). Also called: Neurofibromatosis, type I; VON RECKLINGHAUSEN DISEASE; NEUROFIBROMATOSIS, TYPE I, SOMATIC; Peripheral type neurofibromatosis. Identifiers: Orphanet 636, MedGen C0027831, MONDO:0018975, OMIM 162200. Disease mechanism: loss of function.
Cardiovascular phenotype. Identifiers: MedGen CN230736.
Hereditary cancer-predisposing syndrome. Also called: Hereditary Cancer Syndrome; Hereditary neoplastic syndrome; Tumor predisposition; Neoplastic Syndromes, Hereditary. Identifiers: Orphanet 140162, MedGen C0027672, MeSH D009386, MONDO:0015356.

Submissions (3):

Ambry Genetics
Classification: Likely pathogenic for Cardiovascular phenotype; Hereditary cancer-predisposing syndrome. Last evaluated: 2025-06-06. Review status: criteria provided, single submitter. Criteria: Ambry Variant Classification Scheme 2023. Collection method: clinical testing. Allele origin: germline.
Comment: The c.2851-1G>C intronic variant results from a G to C substitution one nucleotide upstream from coding exon 22 of the NF1 gene. Other variant(s) impacting the same acceptor site (c.2851-2A>C) have been identified in individual(s) with features consistent with neurofibromatosis type 1 (NF1) (Ambry internal data; Jeong SY et al. J Korean Med Sci, 2006 Feb;21:107-12). This nucleotide position is highly conserved in available vertebrate species. In silico splice site analysis predicts that this alteration will weaken the native splice acceptor site and may result in the creation or strengthening of a novel splice acceptor site. Alterations that disrupt the canonical splice site are expected to cause aberrant splicing, resulting in an abnormal protein or a transcript that is subject to nonsense-mediated mRNA decay. As such, this alteration is classified as likely pathogenic.

Labcorp Genetics (formerly Invitae), Labcorp
Classification: Pathogenic for Neurofibromatosis, type 1. Last evaluated: 2023-08-30. Review status: criteria provided, single submitter. Criteria: Invitae Variant Classification Sherloc (09022015). Collection method: clinical testing. Allele origin: germline.
Comment: ClinVar contains an entry for this variant (Variation ID: 1453712). Disruption of this splice site has been observed in individual(s) with neurofibromatosis type I (PMID: 23913538; Invitae). This variant is not present in population databases (gnomAD no frequency). This sequence change affects an acceptor splice site in intron 21 of the NF1 gene. RNA analysis indicates that disruption of this splice site induces altered splicing and may result in an absent or disrupted protein product. Studies have shown that disruption of this splice site results in skipping of exon 22 and introduces a premature termination codon (Invitae). The resulting mRNA is expected to undergo nonsense-mediated decay. For these reasons, this variant has been classified as Pathogenic.

Baylor Genetics
Classification: Likely pathogenic for Juvenile myelomonocytic leukemia. Last evaluated: 2022-03-04. Review status: criteria provided, single submitter. Criteria: ACMG Guidelines, 2015. Collection method: clinical testing. Allele origin: unknown.

Literature cited by the submitters: PubMed 23913538 (cited by Labcorp Genetics (formerly Invitae), Labcorp).

NM_001042492.3(NF1):c.2851-1G>C

Gene: NF1 (neurofibromin 1; plus strand). Cytogenetic location: 17q11.2.
Variant type: single nucleotide variant.
Coding change: c.2851-1G>C on transcript NM_001042492.3 (MANE Select); the canonical splice acceptor site of the intron before coding-DNA position 2851, G replaced by C.
Molecular consequence: splice acceptor variant.
Genome position (GRCh38, 1-based): chr17:31,229,834, G>C. VCF-style: chr17-31229834-G-C. GRCh37 (hg19) VCF-style: chr17-29556852-G-C.
Other names: c.2851-1G>C (NM_000267.4).
Identifiers: ClinVar variation 1453712 (VCV001453712.10), dbSNP rs1597716274, ClinGen allele CA398985946.